The following is an entry in ClinVar:

NM_213653.4(HJV):c.413_435del (p.Ala138fs)

Gene: HJV (hemojuvelin BMP co-receptor; minus strand). Cytogenetic location: 1q21.1.
Variant type: Deletion.
Coding change: c.413_435del on transcript NM_213653.4 (MANE Select); coding-DNA positions 413 to 435, 23 bases deleted (CGGGCTCCGGCCTCCCTGCCCCG).
Protein change: p.Ala138fs; shifts the reading frame from alanine 138.
Molecular consequence: frameshift variant. On other transcripts: intron variant (3).
Genome position (GRCh38, 1-based): chr1:146,019,397-146,019,419, CGGGGCAGGGAGGCCGGAGCCCG deleted on the plus strand (CGGGCTCCGGCCTCCCTGCCCCG on the coding strand, the reverse complement: HJV is on the minus strand); deleting any 23 consecutive bases within chr1:146,019,397-146,019,421 gives the same sequence; the c. name uses the placement nearest the transcript's 3' end. VCF-style (leftmost placement, unchanged base first): chr1-146019396-CCGGGGCAGGGAGGCCGGAGCCCG-C. GRCh37 (hg19) VCF-style: chr1-145415591-GCGCGGGCTCCGGCCTCCCTGCCC-G.
Other names: c.413_435del, p.Ala138fs (NM_001379352.1); c.74_96del, p.Ala25fs (NM_145277.5); c.-21-719_-21-697del (NM_213652.4); c.-22+279_-22+301del (NM_202004.4, NM_001316767.2); short protein forms A138fs, A25fs.
Identifiers: ClinVar variation 1377808 (VCV001377808.6), dbSNP rs2101984604, ClinGen allele CA2573131059.
Genomic context (GRCh38, chr1:146,019,396, plus strand): 5'-GCAAGAACCCCGGGGGACGACCATGCAGCCGGGAAAACCGGCCTTCATAGTCACAAGGGT[CCGGGGCAGGGAGGCCGGAGCCCG>C]CGCCTGGAAGGGCGGGGCCCCGGGGCGGGGGAGGGGCTGTAGGGCCCTGGCGGGAGCAGT-3'

ClinVar aggregate classification (germline): Pathogenic (1 of 4 stars; one submission).

Submission:

Labcorp Genetics (formerly Invitae), Labcorp
Classification: Pathogenic. Last evaluated: 2021-04-07. Review status: criteria provided, single submitter. Criteria: Invitae Variant Classification Sherloc (09022015). Collection method: clinical testing. Allele origin: germline.
Comment: For these reasons, this variant has been classified as Pathogenic. This variant has not been reported in the literature in individuals with HJV-related conditions. This variant is not present in population databases (ExAC no frequency). This sequence change creates a premature translational stop signal (p.Ala138Glyfs*4) in the HJV gene. It is expected to result in an absent or disrupted protein product. Loss-of-function variants in HJV are known to be pathogenic (PMID: 20301349, 22408404).

Literature cited by the submitters: PubMed 20301349; PubMed 22408404.